The following is an entry in ClinVar:

ClinVar aggregate classification (germline): Uncertain significance (1 of 4 stars; one submission).

Allele frequency attached by ClinVar (database versions not stated): gnomAD exomes below 0.00001.
gnomAD v4.1: 1 of 1,612,816 alleles (0.000062%); highest among the groups gnomAD compares: Middle Eastern, 0.017%; no homozygotes.

Submission:

Labcorp Genetics (formerly Invitae), Labcorp
Classification: Uncertain significance. Last evaluated: 2023-02-26. Review status: criteria provided, single submitter. Criteria: Invitae Variant Classification Sherloc (09022015). Collection method: clinical testing. Allele origin: germline.
Comment: This variant has not been reported in the literature in individuals affected with JAK2-related conditions. This variant is not present in population databases (gnomAD no frequency). This sequence change replaces lysine, which is basic and polar, with arginine, which is basic and polar, at codon 688 of the JAK2 protein (p.Lys688Arg). Advanced modeling of protein sequence and biophysical properties (such as structural, functional, and spatial information, amino acid conservation, physicochemical variation, residue mobility, and thermodynamic stability) performed at Invitae indicates that this missense variant is not expected to disrupt JAK2 protein function. In summary, the available evidence is currently insufficient to determine the role of this variant in disease. Therefore, it has been classified as a Variant of Uncertain Significance.

NM_004972.4(JAK2):c.2063A>G (p.Lys688Arg)

Genes: INSL6 (insulin like 6; minus strand), JAK2 (Janus kinase 2; plus strand). Cytogenetic location: 9p24.1.
Variant type: single nucleotide variant.
Coding change: c.2063A>G on transcript NM_004972.4 (MANE Select); coding-DNA position 2063, A replaced by G.
Protein change: p.Lys688Arg; replaces lysine 688 with arginine.
Molecular consequence: missense variant. On other transcripts: non-coding transcript variant (2).
Genome position (GRCh38, 1-based): chr9:5,078,376, A>G. VCF-style: chr9-5078376-A-G. GRCh37 (hg19) VCF-style: chr9-5078376-A-G.
Other names: c.2063A>G, p.Lys688Arg (NM_001322194.2, NM_001322195.2, NM_001322196.2); c.848A>G, p.Lys283Arg (NM_001322198.2, NM_001322199.2); c.1616A>G, p.Lys539Arg (NM_001322204.2); short protein forms K539R, K688R, K283R.
Identifiers: ClinVar variation 2841020 (VCV002841020.3), dbSNP rs2130590787, ClinGen allele CA372827190.